The following is an entry in ClinVar:

NM_002439.5(MSH3):c.2010C>T (p.Thr670=)

Gene: MSH3 (mutS homolog 3; plus strand). Cytogenetic location: 5q14.1.
Variant type: single nucleotide variant.
Coding change: c.2010C>T on transcript NM_002439.5 (MANE Select); coding-DNA position 2010, C replaced by T.
Protein change: p.Thr670=; no amino-acid change (threonine 670 retained).
Molecular consequence: synonymous variant.
Genome position (GRCh38, 1-based): chr5:80,768,046, C>T. VCF-style: chr5-80768046-C-T. GRCh37 (hg19) VCF-style: chr5-80063865-C-T.
Identifiers: ClinVar variation 758614 (VCV000758614.25), dbSNP rs201724154, ClinGen allele CA3328112.

ClinVar aggregate classification (germline): Likely benign. Review status: criteria provided, multiple submitters, no conflicts (2 of 4 stars). 8 submissions from 8 submitters: Likely benign (7). 1 of the submissions does not count toward it. Last evaluated 2026-01-18.

Conditions:
Hereditary cancer-predisposing syndrome. Also called: Tumor predisposition; Hereditary neoplastic syndrome; Neoplastic Syndromes, Hereditary; Hereditary Cancer Syndrome. Identifiers: Orphanet 140162, MedGen C0027672, MeSH D009386, MONDO:0015356.
MSH3-related disorder. Also called: MSH3-related condition.
Familial adenomatous polyposis 4 (FAP4). Also called: MSH3-related attenuated familial adenomatous polyposis. Identifiers: Orphanet 480536, MedGen C4310719, MONDO:0044300, OMIM 617100.

Allele frequency attached by ClinVar (database versions not stated): gnomAD exomes 0.00003 and 0.00007; ExAC 0.00009; gnomAD 0.00010 and 0.00011; ESP Exome Variant Server 0.00015; 1000 Genomes Project 30x 0.00016; TOPMed 0.00016; 1000 Genomes Project 0.00020.
gnomAD v4.1: 61 of 1,613,714 alleles (0.0038%); highest among the groups gnomAD compares: African/African-American, 0.039%; no homozygotes.

Submissions (8):

Labcorp Genetics (formerly Invitae), Labcorp
Classification: Likely benign. Last evaluated: 2026-01-18. Review status: criteria provided, single submitter. Criteria: Invitae Variant Classification Sherloc (09022015). Collection method: clinical testing. Allele origin: germline.

Quest Diagnostics Nichols Institute San Juan Capistrano
Classification: Likely benign. Last evaluated: 2025-04-04. Review status: criteria provided, single submitter. Criteria: Quest Diagnostics criteria. Collection method: clinical testing. Allele origin: unknown.

Center for Genomic Medicine, Rigshospitalet, Copenhagen University Hospital
Classification: Likely benign. Last evaluated: 2025-03-04. Review status: criteria provided, single submitter. Criteria: ACMG Guidelines, 2015. Collection method: clinical testing. Allele origin: germline.

Blueprint Genetics
Classification: Likely benign. Last evaluated: 2024-11-25. Review status: criteria provided, single submitter. Criteria: ACMG Guidelines, 2015. Collection method: clinical testing. Allele origin: germline.

Department of Pathology and Laboratory Medicine, Sinai Health System
Classification: Likely benign for Familial adenomatous polyposis 4. Last evaluated: 2023-02-09. Review status: criteria provided, single submitter. Criteria: ACMG Guidelines, 2015. Collection method: clinical testing. Allele origin: germline. Affected: yes.

Sema4
Classification: Likely benign for Hereditary cancer-predisposing syndrome. Last evaluated: 2022-01-12. Review status: criteria provided, single submitter. Criteria: Sema4 Curation Guidelines. Collection method: curation. Allele origin: germline.

Ambry Genetics
Classification: Likely benign for Hereditary cancer-predisposing syndrome. Last evaluated: 2019-06-04. Review status: criteria provided, single submitter. Criteria: Ambry Variant Classification Scheme 2023. Collection method: clinical testing. Allele origin: germline.

PreventionGenetics, part of Exact Sciences
Classification: Likely benign for MSH3-related condition. Last evaluated: 2019-02-16. Review status: no assertion criteria provided. Collection method: clinical testing. Allele origin: germline. Not counted in ClinVar's aggregate classification.
Comment: This variant is classified as likely benign based on ACMG/AMP sequence variant interpretation guidelines (Richards et al. 2015 PMID: 25741868, with internal and published modifications).